The following is an entry in ClinVar:

ClinVar aggregate classification (germline): Uncertain significance (1 of 4 stars; one submission).

Submission:

Labcorp Genetics (formerly Invitae), Labcorp
Classification: Uncertain significance. Last evaluated: 2021-05-10. Review status: criteria provided, single submitter. Criteria: Invitae Variant Classification Sherloc (09022015). Collection method: clinical testing. Allele origin: germline.
Comment: This variant is not present in population databases (ExAC no frequency). This variant has not been reported in the literature in individuals with PCARE-related conditions. Algorithms developed to predict the effect of missense changes on protein structure and function output the following: SIFT: "Tolerated"; PolyPhen-2: "Benign"; Align-GVGD: "Class C0". The serine amino acid residue is found in multiple mammalian species, suggesting that this missense change does not adversely affect protein function. These predictions have not been confirmed by published functional studies and their clinical significance is uncertain. This sequence change replaces glycine with serine at codon 871 of the PCARE protein (p.Gly871Ser). The glycine residue is moderately conserved and there is a small physicochemical difference between glycine and serine. In summary, the available evidence is currently insufficient to determine the role of this variant in disease. Therefore, it has been classified as a Variant of Uncertain Significance.

NM_001029883.3(PCARE):c.2611G>A (p.Gly871Ser)

Gene: PCARE (photoreceptor cilium actin regulator; minus strand). Cytogenetic location: 2p23.2.
Variant type: single nucleotide variant.
Coding change: c.2611G>A on transcript NM_001029883.3 (MANE Select); coding-DNA position 2611, G replaced by A.
Protein change: p.Gly871Ser; replaces glycine 871 with serine.
Molecular consequence: missense variant.
Genome position (GRCh38, 1-based): chr2:29,071,651, C>T on the plus strand (G>A on the coding strand, the complement: PCARE is on the minus strand). VCF-style: chr2-29071651-C-T. GRCh37 (hg19) VCF-style: chr2-29294517-C-T.
Other names: short protein forms G871S.
Identifiers: ClinVar variation 1518936 (VCV001518936.8), dbSNP rs2148415490, ClinGen allele CA346477014.